The following is an entry in ClinVar:

NM_000642.3(AGL):c.2346del (p.Ile782fs)

Gene: AGL (amylo-alpha-1,6-glucosidase and 4-alpha-glucanotransferase; plus strand). Cytogenetic location: 1p21.2.
Variant type: Deletion.
Coding change: c.2346del on transcript NM_000642.3 (MANE Select); coding-DNA position 2346, one base deleted (T; older notation c.2346delT).
Protein change: p.Ile782fs; shifts the reading frame from isoleucine 782.
Molecular consequence: frameshift variant.
Genome position (GRCh38, 1-based): chr1:99,884,157, T deleted; the last of 2 consecutive T bases (chr1:99,884,156-99,884,157); deleting either gives the same sequence. VCF-style (leftmost placement, unchanged base first): chr1-99884155-AT-A. GRCh37 (hg19) VCF-style: chr1-100349711-AT-A.
Other names: c.2346delT, p.Ile782Metfs (NM_000028.3, NM_000643.3, NM_000644.3 and 2 more transcripts); c.2298delT, p.Ile766Metfs (NM_000646.3); c.2145delT, p.Ile715Metfs (NM_001425327.1); c.2142delT, p.Ile714Metfs (NM_001425328.1, NM_001425329.1); c.1968delT, p.Ile656Metfs (NM_001425332.1); short protein forms I766fs, I782fs.
Identifiers: ClinVar variation 1073425 (VCV001073425.7), dbSNP rs2100768023, ClinGen allele CA2499214936.

ClinVar aggregate classification (germline): Pathogenic (1 of 4 stars; one submission).

Conditions:
Glycogen storage disease type III (GSD3). Also called: Cori disease; FORBES DISEASE. Identifiers: Orphanet 366, MedGen C0017922, MONDO:0009291, OMIM 232400.

Submission:

Labcorp Genetics (formerly Invitae), Labcorp
Classification: Pathogenic for Glycogen storage disease type III. Last evaluated: 2024-11-18. Review status: criteria provided, single submitter. Criteria: Invitae Variant Classification Sherloc (09022015). Collection method: clinical testing. Allele origin: germline.
Comment: This sequence change creates a premature translational stop signal (p.Ile782Metfs*23) in the AGL gene. It is expected to result in an absent or disrupted protein product. Loss-of-function variants in AGL are known to be pathogenic (PMID: 19299494). This variant is not present in population databases (gnomAD no frequency). This variant has not been reported in the literature in individuals affected with AGL-related conditions. ClinVar contains an entry for this variant (Variation ID: 1073425). For these reasons, this variant has been classified as Pathogenic.

Literature cited by the submitters: PubMed 19299494.